The following is an entry in ClinVar:

ClinVar aggregate classification (germline): Uncertain significance. Review status: criteria provided, multiple submitters, no conflicts (2 of 4 stars). 3 submissions from 3 submitters: Uncertain significance (3). Last evaluated 2025-11-12.

Conditions:
Inborn genetic diseases. Identifiers: MedGen C0950123, MeSH D030342.
Charcot-Marie-Tooth disease axonal type 2C (HMSN2C). Also called: CHARCOT-MARIE-TOOTH DISEASE, AXONAL, AUTOSOMAL DOMINANT, TYPE 2C; Charcot-Marie-Tooth Neuropathy Type 2C; Charcot-Marie-Tooth Disease Type 2, TRPV4-Related (CMT2C). Identifiers: Orphanet 99937, MedGen C1853710, MONDO:0011633, OMIM 606071.

Allele frequency attached by ClinVar (database versions not stated): TOPMed below 0.00001; gnomAD 0.00001; gnomAD exomes 0.00001.
gnomAD v4.1: 13 of 1,614,072 alleles (0.00081%); highest among the groups gnomAD compares: Non-Finnish European, 0.001%; no homozygotes.

Submissions (3):

Ambry Genetics
Classification: Uncertain significance for Inborn genetic diseases. Last evaluated: 2025-11-12. Review status: criteria provided, single submitter. Criteria: Ambry Variant Classification Scheme 2023. Collection method: clinical testing. Allele origin: germline.

Labcorp Genetics (formerly Invitae), Labcorp
Classification: Uncertain significance for Charcot-Marie-Tooth disease axonal type 2C. Last evaluated: 2025-07-31. Review status: criteria provided, single submitter. Criteria: Invitae Variant Classification Sherloc (09022015). Collection method: clinical testing. Allele origin: germline.
Comment: This sequence change replaces histidine, which is basic and polar, with glutamine, which is neutral and polar, at codon 115 of the TRPV4 protein (p.His115Gln). This variant is present in population databases (no rsID available, gnomAD 0.0009%). This variant has not been reported in the literature in individuals affected with TRPV4-related conditions. ClinVar contains an entry for this variant (Variation ID: 651796). Invitae Evidence Modeling of protein sequence and biophysical properties (such as structural, functional, and spatial information, amino acid conservation, physicochemical variation, residue mobility, and thermodynamic stability) indicates that this missense variant is not expected to disrupt TRPV4 protein function with a negative predictive value of 95%. In summary, the available evidence is currently insufficient to determine the role of this variant in disease. Therefore, it has been classified as a Variant of Uncertain Significance.

Athena Diagnostics
Classification: Uncertain significance. Last evaluated: 2021-03-31. Review status: criteria provided, single submitter. Criteria: Athena Diagnostics criteria. Collection method: clinical testing. Allele origin: unknown.

NM_021625.5(TRPV4):c.345C>G (p.His115Gln)

Gene: TRPV4 (transient receptor potential cation channel subfamily V member 4; minus strand). Cytogenetic location: 12q24.11.
Variant type: single nucleotide variant.
Coding change: c.345C>G on transcript NM_021625.5 (MANE Select); coding-DNA position 345, C replaced by G.
Protein change: p.His115Gln; replaces histidine 115 with glutamine.
Molecular consequence: missense variant.
Genome position (GRCh38, 1-based): chr12:109,814,452, G>C on the plus strand (C>G on the coding strand, the complement: TRPV4 is on the minus strand). VCF-style: chr12-109814452-G-C. GRCh37 (hg19) VCF-style: chr12-110252257-G-C.
Other names: c.345C>G, p.His115Gln (NM_001177428.2, NM_001177433.2, NM_147204.3); c.243C>G, p.His81Gln (NM_001177431.2); short protein forms H115Q, H81Q.
Identifiers: ClinVar variation 651796 (VCV000651796.12), dbSNP rs1420465373, ClinGen allele CA386659762.